The following is an entry in ClinVar:

NM_133443.4(GPT2):c.589A>G (p.Ile197Val)

Gene: GPT2 (glutamic--pyruvic transaminase 2; plus strand). Cytogenetic location: 16q11.2.
Variant type: single nucleotide variant.
Coding change: c.589A>G on transcript NM_133443.4 (MANE Select); coding-DNA position 589, A replaced by G.
Protein change: p.Ile197Val; replaces isoleucine 197 with valine.
Molecular consequence: missense variant.
Genome position (GRCh38, 1-based): chr16:46,909,696, A>G. VCF-style: chr16-46909696-A-G. GRCh37 (hg19) VCF-style: chr16-46943608-A-G.
Other names: c.289A>G, p.Ile97Val (NM_001142466.3); short protein forms I197V, I97V.
Identifiers: ClinVar variation 1031115 (VCV001031115.2), dbSNP rs748267502, ClinGen allele CA8038653.

ClinVar aggregate classification (germline): Uncertain significance. Review status: criteria provided, multiple submitters, no conflicts (2 of 4 stars). 2 submissions from 2 submitters: Uncertain significance (2). Last evaluated 2024-03-26.

Conditions:
Glutamate pyruvate transaminase 2 deficiency (NEDSPM). Also called: Neurodevelopmental disorder with microcephaly and spastic paraplegia. Identifiers: Orphanet 477673, MedGen C4225388, MONDO:0014567, OMIM 616281.

Allele frequency attached by ClinVar (database versions not stated): ExAC 0.00001.

Submissions (2):

Genomic Medicine Center of Excellence, King Faisal Specialist Hospital and Research Centre
Classification: Uncertain significance for Glutamate pyruvate transaminase 2 deficiency. Last evaluated: 2024-03-26. Review status: criteria provided, single submitter. Criteria: ACMG Guidelines, 2015. Collection method: clinical testing. Allele origin: germline.

Baylor Genetics
Classification: Uncertain significance for Glutamate pyruvate transaminase 2 deficiency. Last evaluated: 2019-12-06. Review status: criteria provided, single submitter. Criteria: ACMG Guidelines, 2015. Collection method: clinical testing. Allele origin: unknown. Affected: yes.
Comment: This variant was determined to be of uncertain significance according to ACMG Guidelines, 2015 [PMID:25741868].